The following is an entry in ClinVar:

NM_000812.4(GABRB1):c.589G>C (p.Glu197Gln)

Gene: GABRB1 (gamma-aminobutyric acid type A receptor subunit beta1; plus strand). Cytogenetic location: 4p12.
Variant type: single nucleotide variant.
Coding change: c.589G>C on transcript NM_000812.4 (MANE Select); coding-DNA position 589, G replaced by C.
Protein change: p.Glu197Gln; replaces glutamic acid 197 with glutamine.
Molecular consequence: missense variant.
Genome position (GRCh38, 1-based): chr4:47,403,362, G>C. VCF-style: chr4-47403362-G-C. GRCh37 (hg19) VCF-style: chr4-47405379-G-C.
Other names: short protein forms E197Q.
Identifiers: ClinVar variation 2825076 (VCV002825076.3), dbSNP rs1490547763, ClinGen allele CA356810164.
Genomic context (GRCh38, chr4:47,403,362, plus strand): 5'-TTTTTATTGGTTTCAGATGGCTATACCACTGATGACATTGAATTTTACTGGAATGGAGGA[G>C]AAGGGGCAGTCACTGGTGTTAATAAAATCGAACTTCCTCAATTTTCAATTGTTGACTACA-3'
Protein context (NP_000803.2, residues 187-207): DDIEFYWNGG[Glu197Gln]GAVTGVNKIE

ClinVar aggregate classification (germline): Uncertain significance (1 of 4 stars; one submission).

Allele frequency attached by ClinVar (database versions not stated): TOPMed below 0.00001; gnomAD 0.00001.
gnomAD v4.1: 1 of 1,613,886 alleles (0.000062%); highest among the groups gnomAD compares: African/African-American, 0.0013%; no homozygotes.

Submission:

Labcorp Genetics (formerly Invitae), Labcorp
Classification: Uncertain significance. Last evaluated: 2022-12-30. Review status: criteria provided, single submitter. Criteria: Invitae Variant Classification Sherloc (09022015). Collection method: clinical testing. Allele origin: germline.
Comment: This sequence change replaces glutamic acid, which is acidic and polar, with glutamine, which is neutral and polar, at codon 197 of the GABRB1 protein (p.Glu197Gln). This variant is not present in population databases (gnomAD no frequency). This variant has not been reported in the literature in individuals affected with GABRB1-related conditions. Advanced modeling of protein sequence and biophysical properties (such as structural, functional, and spatial information, amino acid conservation, physicochemical variation, residue mobility, and thermodynamic stability) performed at Invitae indicates that this missense variant is not expected to disrupt GABRB1 protein function. In summary, the available evidence is currently insufficient to determine the role of this variant in disease. Therefore, it has been classified as a Variant of Uncertain Significance.